The following is an entry in ClinVar:

ClinVar aggregate classification (germline): Uncertain significance. Review status: criteria provided, multiple submitters, no conflicts (2 of 4 stars). 2 submissions from 2 submitters: Uncertain significance (2). Last evaluated 2020-06-03.

Conditions:
Polycystic kidney disease, adult type (PKD1). Also called: Polycystic Kidney Disease 1, Autosomal Dominant; Polycystic kidney disease 1; Polycystic kidney disease 1, severe; POLYCYSTIC KIDNEY DISEASE 1 WITH OR WITHOUT POLYCYSTIC LIVER DISEASE; POLYCYSTIC KIDNEY DISEASE, ADULT, TYPE I; Polycystic Kidney, Autosomal Dominant. Identifiers: MedGen C3149841, MONDO:0008263, OMIM 173900.

gnomAD v4.1: 1 of 1,552,118 alleles (0.000064%); highest among the groups gnomAD compares: Non-Finnish European, 0.000087%; no homozygotes.

Submissions (2):

GeneDx
Classification: Uncertain significance. Last evaluated: 2020-06-03. Review status: criteria provided, single submitter. Criteria: GeneDx Variant Classification Process June 2021. Collection method: clinical testing. Allele origin: germline. Affected: yes.
Comment: Not observed in large population cohorts (Lek et al., 2016); In silico analysis supports that this missense variant has a deleterious effect on protein structure/function; Has not been previously published as pathogenic or benign to our knowledge

Juno Genomics, Hangzhou Juno Genomics, Inc
Classification: Uncertain significance for Polycystic kidney disease, adult type. Review status: criteria provided, single submitter. Criteria: ACMG Guidelines, 2015. Collection method: clinical testing. Allele origin: germline. Affected: yes.
Comment: Absent from controls (or at extremely low frequency if recessive) in Genome Aggregation Database, Exome Sequencing Project, 1000 Genomes Project, or Exome Aggregation Consortium.;Multiple lines of computational evidence support a deleterious effect on the gene or gene product (conservation, evolutionary, splicing impact, etc).;Patient's phenotype or family history is highly specific for a disease with a single genetic etiology.

NM_001009944.3(PKD1):c.9146C>T (p.Thr3049Ile)

Gene: PKD1 (polycystin 1, transient receptor potential channel interacting; minus strand). Cytogenetic location: 16p13.3.
Variant type: single nucleotide variant.
Coding change: c.9146C>T on transcript NM_001009944.3 (MANE Select); coding-DNA position 9146, C replaced by T.
Protein change: p.Thr3049Ile; replaces threonine 3049 with isoleucine.
Molecular consequence: missense variant.
Genome position (GRCh38, 1-based): chr16:2,102,436, G>A on the plus strand (C>T on the coding strand, the complement: PKD1 is on the minus strand). VCF-style: chr16-2102436-G-A. GRCh37 (hg19) VCF-style: chr16-2152437-G-A.
Other names: c.9146C>T, p.Thr3049Ile (NM_000296.4); short protein forms T3049I.
Identifiers: ClinVar variation 1312669 (VCV001312669.4), dbSNP rs2151749645, ClinGen allele CA394358811.